The following is an entry in ClinVar:

ClinVar aggregate classification (germline): Uncertain significance. Review status: criteria provided, multiple submitters, no conflicts (2 of 4 stars). 2 submissions from 2 submitters: Uncertain significance (2). Last evaluated 2023-10-14.

Conditions:
Inborn genetic diseases. Identifiers: MedGen C0950123, MeSH D030342.

Submissions (2):

Labcorp Genetics (formerly Invitae), Labcorp
Classification: Uncertain significance. Last evaluated: 2023-10-14. Review status: criteria provided, single submitter. Criteria: Invitae Variant Classification Sherloc (09022015). Collection method: clinical testing. Allele origin: germline.
Comment: This sequence change replaces serine, which is neutral and polar, with arginine, which is basic and polar, at codon 774 of the ROR2 protein (p.Ser774Arg). This variant is not present in population databases (gnomAD no frequency). This variant has not been reported in the literature in individuals affected with ROR2-related conditions. ClinVar contains an entry for this variant (Variation ID: 2546631). Advanced modeling of protein sequence and biophysical properties (such as structural, functional, and spatial information, amino acid conservation, physicochemical variation, residue mobility, and thermodynamic stability) performed at Invitae indicates that this missense variant is not expected to disrupt ROR2 protein function. In summary, the available evidence is currently insufficient to determine the role of this variant in disease. Therefore, it has been classified as a Variant of Uncertain Significance.

Ambry Genetics
Classification: Uncertain significance for Inborn genetic diseases. Last evaluated: 2023-05-16. Review status: criteria provided, single submitter. Criteria: Ambry Variant Classification Scheme 2023. Collection method: clinical testing. Allele origin: germline.

NM_004560.4(ROR2):c.2320A>C (p.Ser774Arg)

Gene: ROR2 (receptor tyrosine kinase like orphan receptor 2; minus strand). Cytogenetic location: 9q22.31.
Variant type: single nucleotide variant.
Coding change: c.2320A>C on transcript NM_004560.4 (MANE Select); coding-DNA position 2320, A replaced by C.
Protein change: p.Ser774Arg; replaces serine 774 with arginine.
Molecular consequence: missense variant.
Genome position (GRCh38, 1-based): chr9:91,724,174, T>G on the plus strand (A>C on the coding strand, the complement: ROR2 is on the minus strand). VCF-style: chr9-91724174-T-G. GRCh37 (hg19) VCF-style: chr9-94486456-T-G.
Other names: short protein forms S774R.
Identifiers: ClinVar variation 2546631 (VCV002546631.5), dbSNP rs2490108001, ClinGen allele CA373794748.